The following is an entry in ClinVar:

ClinVar aggregate classification (germline): Uncertain significance (1 of 4 stars; one submission).

Conditions:
Coffin-Siris syndrome 1 (CSS1). Also called: ARID1B-Related Coffin-Siris Syndrome; Mental retardation, autosomal dominant 12. Identifiers: Orphanet 1465, MedGen C3281201, MONDO:0007617, OMIM 135900. Disease mechanism: gain of function.

gnomAD v4.1: 2 of 1,599,192 alleles (0.00013%); highest among the groups gnomAD compares: Admixed American, 0.0017%; no homozygotes.

Submission:

Neuberg Centre For Genomic Medicine, NCGM
Classification: Uncertain significance for Coffin-Siris syndrome 1. Last evaluated: 2023-06-22. Review status: criteria provided, single submitter. Criteria: ACMG Guidelines, 2015. Collection method: clinical testing. Allele origin: germline. Inheritance: Autosomal dominant inheritance. Affected: yes.
Comment: The missense variant c.3313C>T (p.Pro1105Ser) in the BICRA gene has not been reported previously as a pathogenic variant nor as a benign variant, to our knowledge. This variant is absent in the gnomAD Exomes. The amino acid Pro at position 1105 is changed to a Ser changing protein sequence and it might alter its composition and physico-chemical properties. Computational evidence (Polyphen, SIFT and MutationTaster) predicts conflicting evidence on protein structure and function for this variant. The amino acid change p.Pro1105Ser in BICRA is predicted as conserved by GERP++ and PhyloP across 100 vertebrates. For these reasons, this variant has been classified as Uncertain Significance.

NM_001394372.1(BICRA):c.3313C>T (p.Pro1105Ser)

Gene: BICRA (BRD4 interacting chromatin remodeling complex associated protein; plus strand). Cytogenetic location: 19q13.33.
Variant type: single nucleotide variant.
Coding change: c.3313C>T on transcript NM_001394372.1 (MANE Select); coding-DNA position 3313, C replaced by T.
Protein change: p.Pro1105Ser; replaces proline 1105 with serine.
Molecular consequence: missense variant.
Genome position (GRCh38, 1-based): chr19:47,698,698, C>T. VCF-style: chr19-47698698-C-T. GRCh37 (hg19) VCF-style: chr19-48201955-C-T.
Other names: c.3313C>T, p.Pro1105Ser (NM_015711.3); short protein forms P1105S.
Identifiers: ClinVar variation 3377646 (VCV003377646.1).
Genomic context (GRCh38, chr19:47,698,698, plus strand): 5'-CTGGAGCATTTGCACAAACACCAGGGCTCCGTCCTGCACCCCGACTACAAGACGGCCTTC[C>T]CCTCCTTTGAGGACGCCCTGCATCGCCTCCTGCCCTACCATGTCTACCAGGGCGCCCTCC-3'
Protein context (NP_001381301.1, residues 1095-1115): VLHPDYKTAF[Pro1105Ser]SFEDALHRLL